The following is an entry in ClinVar:

NM_016628.5(WAC):c.305dup (p.His102fs)

Gene: WAC (WW domain containing adaptor with coiled-coil; plus strand). Cytogenetic location: 10p12.1.
Variant type: Duplication.
Coding change: c.305dup on transcript NM_016628.5 (MANE Select); coding-DNA position 305, one base duplicated (A; older notation c.305dupA).
Protein change: p.His102fs; shifts the reading frame from histidine 102.
Molecular consequence: frameshift variant.
Genome position (GRCh38, 1-based): chr10:28,583,429, A duplicated. VCF-style (leftmost placement, unchanged base first): chr10-28583428-C-CA. GRCh37 (hg19) VCF-style: chr10-28872357-C-CA.
Other names: c.170dup, p.His57fs (NM_100264.3); c.305dup, p.His102fs (NM_100486.4); short protein forms H57fs, H102fs.
Identifiers: ClinVar variation 2266122 (VCV002266122.2), dbSNP rs2491926757, ClinGen allele CA2580081439.
Genomic context (GRCh38, chr10:28,583,428, plus strand): 5'-TGTAATTCACTTTGTTCTTTATTTTTTTAAGGGACCAGTTACTCTCCACAAGAAAATTCA[C>CA]ACAACCACAGTGCTCTTCATAGTTCAAATTCACATTCTTCTAATCCAAGCAATAACCCAA-3'

ClinVar aggregate classification (germline): Pathogenic (1 of 4 stars; one submission).

Conditions:
Inborn genetic diseases. Identifiers: MedGen C0950123, MeSH D030342.

Submission:

Ambry Genetics
Classification: Pathogenic for Inborn genetic diseases. Last evaluated: 2022-01-25. Review status: criteria provided, single submitter. Criteria: Ambry Variant Classification Scheme 2023. Collection method: clinical testing. Allele origin: germline.
Comment: The c.305dupA (p.H102Qfs*8) alteration, located in exon 4 (coding exon 4) of the WAC gene, consists of a duplication of A at position 305, causing a translational frameshift with a predicted alternate stop codon after 8 amino acids. This alteration is expected to result in loss of function by premature protein truncation or nonsense-mediated mRNA decay. This variant was not reported in population-based cohorts in the Genome Aggregation Database (gnomAD). Based on the available evidence, this alteration is classified as pathogenic.